The following is an entry in ClinVar:

NM_000264.5(PTCH1):c.2848C>T (p.His950Tyr)

Gene: PTCH1 (patched 1; minus strand). Cytogenetic location: 9q22.32.
Variant type: single nucleotide variant.
Coding change: c.2848C>T on transcript NM_000264.5 (MANE Select); coding-DNA position 2848, C replaced by T.
Protein change: p.His950Tyr; replaces histidine 950 with tyrosine.
Molecular consequence: missense variant. On other transcripts: non-coding transcript variant (1).
Genome position (GRCh38, 1-based): chr9:95,459,639, G>A on the plus strand (C>T on the coding strand, the complement: PTCH1 is on the minus strand). VCF-style: chr9-95459639-G-A. GRCh37 (hg19) VCF-style: chr9-98221921-G-A.
Other names: c.2650C>T, p.His884Tyr (NM_001083602.3); c.2845C>T, p.His949Tyr (NM_001083603.3); c.2395C>T, p.His799Tyr (NM_001083604.3, NM_001083605.3, NM_001083606.3 and 1 more transcripts); c.2692C>T, p.His898Tyr (NM_001354918.2); short protein forms H884Y, H898Y, H950Y, H799Y, H949Y.
Identifiers: ClinVar variation 5027476 (VCV005027476.1).

ClinVar aggregate classification (germline): Uncertain significance (1 of 4 stars; one submission).

Conditions:
Hereditary cancer-predisposing syndrome. Also called: Neoplastic Syndromes, Hereditary; Tumor predisposition; Hereditary neoplastic syndrome; Hereditary Cancer Syndrome. Identifiers: Orphanet 140162, MedGen C0027672, MeSH D009386, MONDO:0015356.

Submission:

Ambry Genetics
Classification: Uncertain significance for Hereditary cancer-predisposing syndrome. Last evaluated: 2026-07-06. Review status: criteria provided, single submitter. Criteria: Ambry Variant Classification Scheme 2023. Collection method: clinical testing. Allele origin: germline.
Comment: The p.H884Y variant (also known as c.2650C>T), located in coding exon 17 of the PTCH1 gene, results from a C to T substitution at nucleotide position 2650. The histidine at codon 884 is replaced by tyrosine, an amino acid with similar properties. This amino acid position is conserved. In addition, this alteration is predicted to be deleterious by in silico analysis. Based on the available evidence, the clinical significance of this variant remains unclear.